The following is an entry in ClinVar:

NM_130839.5(UBE3A):c.589G>T (p.Ala197Ser)

Genes: SNHG14 (small nucleolar RNA host gene 14; plus strand), UBE3A (ubiquitin protein ligase E3A; minus strand). Cytogenetic location: 15q11.2.
Variant type: single nucleotide variant.
Coding change: c.589G>T on transcript NM_130839.5 (MANE Select); coding-DNA position 589, G replaced by T.
Protein change: p.Ala197Ser; replaces alanine 197 with serine.
Molecular consequence: missense variant. On other transcripts: non-coding transcript variant (1), intron variant (2).
Genome position (GRCh38, 1-based): chr15:25,371,585, C>A on the plus strand (G>T on the coding strand, the complement: UBE3A is on the minus strand). VCF-style: chr15-25371585-C-A. GRCh37 (hg19) VCF-style: chr15-25616732-C-A.
Other names: c.598G>T, p.Ala200Ser (NM_000462.5); c.589G>T, p.Ala197Ser (NM_001354505.1, NM_001354538.2, NM_001354545.2); c.529G>T, p.Ala177Ser (NM_001354506.2, NM_001354507.2, NM_001354508.2 and 17 more transcripts); c.412G>T, p.Ala138Ser (NM_001354546.2); c.301+3880G>T (NM_001354551.2); c.361+3880G>T (NM_001354550.2); short protein forms A138S, A177S, A197S, A200S.
Identifiers: ClinVar variation 650098 (VCV000650098.9), dbSNP rs752711811, ClinGen allele CA7435617.

ClinVar aggregate classification (germline): Uncertain significance. Review status: criteria provided, multiple submitters, no conflicts (2 of 4 stars). 2 submissions from 2 submitters: Uncertain significance (2). Last evaluated 2024-04-17.

Conditions:
Angelman syndrome (AS). Also called: HAPPY PUPPET SYNDROME. Identifiers: Orphanet 72, MedGen C0162635, MONDO:0007113, OMIM 105830. Disease mechanism: loss of function. Inheritance: imprinting disorder, AS is caused by disruption of maternally imprinted UBE3A located within the 15q11.2-q13 Angelman syndrome/Prader-Willi syndrome (AS/PWS) region..
Inborn genetic diseases. Identifiers: MedGen C0950123, MeSH D030342.

Allele frequency attached by ClinVar (database versions not stated): gnomAD exomes below 0.00001; ExAC 0.00001; gnomAD 0.00003; TOPMed 0.00003.
gnomAD v4.1: 9 of 1,614,038 alleles (0.00056%); highest among the groups gnomAD compares: Non-Finnish European, 0.00076%; no homozygotes.

Submissions (2):

Labcorp Genetics (formerly Invitae), Labcorp
Classification: Uncertain significance for Angelman syndrome. Last evaluated: 2024-04-17. Review status: criteria provided, single submitter. Criteria: Invitae Variant Classification Sherloc (09022015). Collection method: clinical testing. Allele origin: germline.
Comment: This sequence change replaces alanine with serine at codon 177 of the UBE3A protein (p.Ala177Ser). The alanine residue is highly conserved and there is a moderate physicochemical difference between alanine and serine. The frequency data for this variant in the population databases is considered unreliable, as metrics indicate poor data quality at this position in the gnomAD database. This variant has not been reported in the literature in individuals affected with UBE3A-related conditions. ClinVar contains an entry for this variant (Variation ID: 650098). Advanced modeling of protein sequence and biophysical properties (such as structural, functional, and spatial information, amino acid conservation, physicochemical variation, residue mobility, and thermodynamic stability) has been performed at Invitae for this missense variant, however the output from this modeling did not meet the statistical confidence thresholds required to predict the impact of this variant on UBE3A protein function. In summary, the available evidence is currently insufficient to determine the role of this variant in disease. Therefore, it has been classified as a Variant of Uncertain Significance.

Ambry Genetics
Classification: Uncertain significance for Inborn genetic diseases. Last evaluated: 2021-07-09. Review status: criteria provided, single submitter. Criteria: Ambry Variant Classification Scheme 2023. Collection method: clinical testing. Allele origin: germline.